The following is an entry in ClinVar:

ClinVar aggregate classification (germline): Pathogenic (1 of 4 stars; one submission).

Conditions:
Fetal anomalies with a likely genetic cause.

Submission:

Genetics Laboratory, Great Ormond Street Hospital NHS Foundation Trust, North Thames Genomic Laboratory Hub
Classification: Pathogenic for Fetal anomalies with a likely genetic cause. Last evaluated: 2026-02-08. Review status: criteria provided, single submitter. Criteria: ACGS Best Practice Guidelines for Variant Classification in Rare Disease 2024 v1.2. Collection method: clinical testing. Allele origin: germline. Affected: yes.
Comment: PM2_moderate, PVS1_very-strong

NM_019108.4(SMG9):c.749dup (p.Asn251fs)

Gene: SMG9 (SMG9 nonsense mediated mRNA decay factor; minus strand). Cytogenetic location: 19q13.31.
Variant type: Duplication.
Coding change: c.749dup on transcript NM_019108.4 (MANE Select); coding-DNA position 749, one base duplicated (G; older notation c.749dupG).
Protein change: p.Asn251fs; shifts the reading frame from asparagine 251.
Molecular consequence: frameshift variant.
Genome position (GRCh38, 1-based): chr19:43,740,171, C duplicated on the plus strand (G on the coding strand, the reverse complement: SMG9 is on the minus strand); the first of 5 consecutive C bases (chr19:43,740,171-43,740,175); duplicating any one gives the same sequence. VCF-style (leftmost placement, unchanged base first): chr19-43740170-G-GC. GRCh37 (hg19) VCF-style: chr19-44244322-G-GC.
Other names: short protein forms N251fs.
Identifiers: ClinVar variation 4819706 (VCV004819706.1).